The following is an entry in ClinVar:

ClinVar aggregate classification (germline): Conflicting classifications of pathogenicity. Review status: criteria provided, conflicting classifications (1 of 4 stars). 2 submissions from 2 submitters: Uncertain significance (1); Likely benign (1). Last evaluated 2024-11-09.

Conditions:
Cardiovascular phenotype. Identifiers: MedGen CN230736.

gnomAD v4.1: 1 of 1,613,864 alleles (0.000062%); highest among the groups gnomAD compares: Non-Finnish European, 0.000085%; no homozygotes.

Submissions (2):

Ambry Genetics
Classification: Likely benign for Cardiovascular phenotype. Last evaluated: 2024-11-09. Review status: criteria provided, single submitter. Criteria: Ambry Variant Classification Scheme 2023. Collection method: clinical testing. Allele origin: germline.

GeneDx
Classification: Uncertain significance. Last evaluated: 2024-06-28. Review status: criteria provided, single submitter. Criteria: GeneDx Variant Classification Process June 2021. Collection method: clinical testing. Allele origin: germline. Affected: yes.
Comment: Not observed at significant frequency in large population cohorts (gnomAD); Has not been previously published as pathogenic or benign to our knowledge; In silico analysis does not support a benign or deleterious effect of this variant on protein structure/function

NM_001378454.1(ALMS1):c.4528G>A (p.Gly1510Ser)

Gene: ALMS1 (ALMS1 centrosome and basal body associated protein; plus strand). Cytogenetic location: 2p13.1.
Variant type: single nucleotide variant.
Coding change: c.4528G>A on transcript NM_001378454.1 (MANE Select); coding-DNA position 4528, G replaced by A.
Protein change: p.Gly1510Ser; replaces glycine 1510 with serine.
Molecular consequence: missense variant.
Genome position (GRCh38, 1-based): chr2:73,451,055, G>A. VCF-style: chr2-73451055-G-A. GRCh37 (hg19) VCF-style: chr2-73678182-G-A.
Other names: c.4531G>A, p.Gly1511Ser (NM_015120.4); short protein forms G1510S, G1511S.
Identifiers: ClinVar variation 3392881 (VCV003392881.2).